The following is an entry in ClinVar:

NM_000540.3(RYR1):c.6521A>T (p.Glu2174Val)

Gene: RYR1 (ryanodine receptor 1; plus strand). Cytogenetic location: 19q13.2.
Variant type: single nucleotide variant.
Coding change: c.6521A>T on transcript NM_000540.3 (MANE Select); coding-DNA position 6521, A replaced by T.
Protein change: p.Glu2174Val; replaces glutamic acid 2174 with valine.
Molecular consequence: missense variant.
Genome position (GRCh38, 1-based): chr19:38,494,598, A>T. VCF-style: chr19-38494598-A-T. GRCh37 (hg19) VCF-style: chr19-38985238-A-T.
Other names: c.6521A>T, p.Glu2174Val (NM_001042723.2); short protein forms E2174V.
Identifiers: ClinVar variation 2705054 (VCV002705054.3), dbSNP rs746226400, ClinGen allele CA405664409.
Genomic context (GRCh38, chr19:38,494,598, plus strand): 5'-GCCTGCTCGAGTGCCTCGGCCAGATCCGCTCGCTGCTCATCGTGCAGATGGGCCCCCAGG[A>T]GGAGAACCTCATGATCCAGAGCATCGGGTGAGACACCGCCCTTCCCCCTTACTTTGCATA-3'
Protein context (NP_000531.2, residues 2164-2184): SLLIVQMGPQ[Glu2174Val]ENLMIQSIGN

ClinVar aggregate classification (germline): Uncertain significance (1 of 4 stars; one submission).

Conditions:
RYR1-related disorder. Also called: RYR1-related condition; RYR1-related disorders. Identifiers: MedGen CN239331.

Submission:

Labcorp Genetics (formerly Invitae), Labcorp
Classification: Uncertain significance for RYR1-related disorder. Last evaluated: 2023-12-23. Review status: criteria provided, single submitter. Criteria: Invitae Variant Classification Sherloc (09022015). Collection method: clinical testing. Allele origin: germline.
Comment: This sequence change replaces glutamic acid, which is acidic and polar, with valine, which is neutral and non-polar, at codon 2174 of the RYR1 protein (p.Glu2174Val). This variant is not present in population databases (gnomAD no frequency). This variant has not been reported in the literature in individuals affected with RYR1-related conditions. Advanced modeling of protein sequence and biophysical properties (such as structural, functional, and spatial information, amino acid conservation, physicochemical variation, residue mobility, and thermodynamic stability) performed at Invitae indicates that this missense variant is expected to disrupt RYR1 protein function with a positive predictive value of 95%. In summary, the available evidence is currently insufficient to determine the role of this variant in disease. Therefore, it has been classified as a Variant of Uncertain Significance.